The following is an entry in ClinVar:

ClinVar aggregate classification (germline): Likely benign (1 of 4 stars; one submission).

Allele frequency attached by ClinVar (database versions not stated): 1000 Genomes Project 30x 0.00094; 1000 Genomes Project 0.00100; gnomAD exomes 0.00276; ExAC 0.00286; TOPMed 0.00306; gnomAD 0.00317; ESP Exome Variant Server 0.00405.
gnomAD v4.1: 4,467 of 1,603,864 alleles (0.28%); highest among the groups gnomAD compares: African/African-American, 0.56%; 14 homozygotes.

Submission:

CeGaT Center for Human Genetics Tuebingen
Classification: Likely benign. Last evaluated: 2025-08-01. Review status: criteria provided, single submitter. Criteria: CeGaT Center For Human Genetics Tuebingen Variant Classification Criteria Version 2. Collection method: clinical testing. Allele origin: germline. Affected: yes. Observed: 3 variant alleles.
Comment: MAST4: BS2

NM_001164664.2(MAST4):c.3545C>T (p.Pro1182Leu)

Gene: MAST4 (microtubule associated serine/threonine kinase family member 4; plus strand). Cytogenetic location: 5q12.3.
Variant type: single nucleotide variant.
Coding change: c.3545C>T on transcript NM_001164664.2 (MANE Select); coding-DNA position 3545, C replaced by T.
Protein change: p.Pro1182Leu; replaces proline 1182 with leucine.
Molecular consequence: missense variant.
Genome position (GRCh38, 1-based): chr5:67,153,477, C>T. VCF-style: chr5-67153477-C-T. GRCh37 (hg19) VCF-style: chr5-66449305-C-T.
Other names: c.2927C>T, p.Pro976Leu (NM_001290226.2); c.2762C>T, p.Pro921Leu (NM_001290227.2, NM_001393527.1); c.2963C>T, p.Pro988Leu (NM_001297651.2); c.3554C>T, p.Pro1185Leu (NM_001393524.1); c.3344C>T, p.Pro1115Leu (NM_001393525.1); c.2777C>T, p.Pro926Leu (NM_001393526.1); c.2741C>T, p.Pro914Leu (NM_001393528.1); c.2978C>T, p.Pro993Leu (NM_015183.3); short protein forms P1115L, P1182L, P1185L, P914L, P921L, P926L, P976L, P988L.
Identifiers: ClinVar variation 2655499 (VCV002655499.24), dbSNP rs56383960, ClinGen allele CA3288497.